The following is an entry in ClinVar:

NM_006096.4(NDRG1):c.363G>C (p.Met121Ile)

Gene: NDRG1 (N-myc downstream regulated 1; minus strand). Cytogenetic location: 8q24.22.
Variant type: single nucleotide variant.
Coding change: c.363G>C on transcript NM_006096.4 (MANE Select); coding-DNA position 363, G replaced by C.
Protein change: p.Met121Ile; replaces methionine 121 with isoleucine.
Molecular consequence: missense variant.
Genome position (GRCh38, 1-based): chr8:133,259,194, C>G on the plus strand (G>C on the coding strand, the complement: NDRG1 is on the minus strand). VCF-style: chr8-133259194-C-G. GRCh37 (hg19) VCF-style: chr8-134271437-C-G.
Other names: c.120G>C, p.Met40Ile (NM_001258433.2); c.363G>C, p.Met121Ile (NM_001374844.1, NM_001374845.1, NM_001374846.1 and 1 more transcripts); c.165G>C, p.Met55Ile (NM_001374847.1, NM_001258432.2); short protein forms M121I, M55I, M40I.
Identifiers: ClinVar variation 4770697 (VCV004770697.1).

ClinVar aggregate classification (germline): Uncertain significance (1 of 4 stars; one submission).

Conditions:
Charcot-Marie-Tooth disease type 4. Also called: Charcot-Marie-Tooth disease, type IV; Charcot-Marie-Tooth, Type 4. Identifiers: Orphanet 64749, MedGen C4082197, MONDO:0018995.

Submission:

Labcorp Genetics (formerly Invitae), Labcorp
Classification: Uncertain significance for Charcot-Marie-Tooth disease type 4. Last evaluated: 2025-04-10. Review status: criteria provided, single submitter. Criteria: Invitae Variant Classification Sherloc (09022015). Collection method: clinical testing. Allele origin: germline.
Comment: This sequence change replaces methionine, which is neutral and non-polar, with isoleucine, which is neutral and non-polar, at codon 121 of the NDRG1 protein (p.Met121Ile). This variant is present in population databases (no rsID available, gnomAD no frequency), including at least one homozygous and/or hemizygous individual. This variant has not been reported in the literature in individuals affected with NDRG1-related conditions. Invitae Evidence Modeling of protein sequence and biophysical properties (such as structural, functional, and spatial information, amino acid conservation, physicochemical variation, residue mobility, and thermodynamic stability) indicates that this missense variant is not expected to disrupt NDRG1 protein function with a negative predictive value of 80%. In summary, the available evidence is currently insufficient to determine the role of this variant in disease. Therefore, it has been classified as a Variant of Uncertain Significance.